The following is an entry in ClinVar:

NM_080425.4(GNAS):c.67G>C (p.Gly23Arg)

Gene: GNAS (GNAS complex locus; plus strand). Cytogenetic location: 20q13.32.
Variant type: single nucleotide variant.
Coding change: c.67G>C on transcript NM_080425.4 (MANE Plus Clinical); coding-DNA position 67, G replaced by C.
Protein change: p.Gly23Arg; replaces glycine 23 with arginine.
Molecular consequence: missense variant. On other transcripts: 5 prime UTR variant (2), intron variant (3).
Genome position (GRCh38, 1-based): chr20:58,853,332, G>C. VCF-style: chr20-58853332-G-C. GRCh37 (hg19) VCF-style: chr20-57428387-G-C.
Other names: c.-121G>C (NM_001077490.3, NM_001309883.1); c.67G>C, p.Gly23Arg (NM_001410913.1); c.*42+12446G>C (NM_016592.5); c.43+12446G>C (NM_001410912.1); c.-39+11457G>C (NM_001309861.2); short protein forms G23R.
Identifiers: ClinVar variation 4998660 (VCV004998660.1).

ClinVar aggregate classification (germline): Uncertain significance (1 of 4 stars; one submission).

Conditions:
GNAS-related disorder. Identifiers: MedGen CN380105.

Submission:

PreventionGenetics, part of Exact Sciences
Classification: Uncertain significance for GNAS-related condition. Last evaluated: 2025-02-19. Review status: criteria provided, single submitter. Criteria: ACMG Guidelines, 2015. Collection method: clinical testing. Allele origin: germline.
Comment: The GNAS c.67G>C variant is predicted to result in the amino acid substitution p.Gly23Arg. To our knowledge, this variant has not been reported in the literature or in a large population database (gnomAD), indicating this variant is rare. At this time, the clinical significance of this variant is uncertain due to the absence of conclusive functional and genetic evidence.